The following is an entry in ClinVar:

NM_000458.4(HNF1B):c.1413C>T (p.Pro471=)

Gene: HNF1B (HNF1 homeobox B; minus strand). Cytogenetic location: 17q12.
Variant type: single nucleotide variant.
Coding change: c.1413C>T on transcript NM_000458.4 (MANE Select); coding-DNA position 1413, C replaced by T.
Protein change: p.Pro471=; no amino-acid change (proline 471 retained).
Molecular consequence: synonymous variant. On other transcripts: intron variant (1).
Genome position (GRCh38, 1-based): chr17:37,701,104, G>A on the plus strand (C>T on the coding strand, the complement: HNF1B is on the minus strand). VCF-style: chr17-37701104-G-A. GRCh37 (hg19) VCF-style: chr17-36061109-G-A.
Other names: p.Pro471=; c.1335C>T, p.Pro445= (NM_001165923.4); c.1261+3813C>T (NM_001304286.2); c.1413C>T (NM_000458.3).
Identifiers: ClinVar variation 36841 (VCV000036841.37), dbSNP rs140781855, ClinGen allele CA214350.

ClinVar aggregate classification (germline): Benign/Likely benign. Review status: criteria provided, multiple submitters, no conflicts (2 of 4 stars). 16 submissions from 15 submitters: Benign (7); Likely benign (6). 3 of the submissions do not count toward it. Last evaluated 2026-01-28.

Conditions:
HNF1B-related disorder. Also called: HNF1B-related disorders; HNF1B-related condition.
Maturity-onset diabetes of the young (MODY). Also called: Maturity onset diabetes mellitus in young. Identifiers: Orphanet 552, MedGen C0342276, MONDO:0018911, HP:0004904.
Nonpapillary renal cell carcinoma. Identifiers: Orphanet 422526, MedGen CN074294, MONDO:0007763, OMIM 144700.
Renal cysts and diabetes syndrome (RCAD). Also called: MATURITY-ONSET DIABETES OF THE YOUNG, TYPE 5; Familial hypoplastic, glomerulocystic kidney. Identifiers: Orphanet 93111, MedGen C0431693, MONDO:0007669, OMIM 137920.

Allele frequency attached by ClinVar (database versions not stated): gnomAD exomes 0.00035 and 0.00067; ExAC 0.00106; 1000 Genomes Project 0.00280; ESP Exome Variant Server 0.00280; 1000 Genomes Project 30x 0.00312; TOPMed 0.00315; gnomAD 0.00325.
gnomAD v4.1: 949 of 1,552,674 alleles (0.061%); highest among the groups gnomAD compares: African/African-American, 0.99%; 10 homozygotes.

Submissions (16):

Labcorp Genetics (formerly Invitae), Labcorp
Classification: Benign. Last evaluated: 2026-01-28. Review status: criteria provided, single submitter. Criteria: Invitae Variant Classification Sherloc (09022015). Collection method: clinical testing. Allele origin: germline.

CeGaT Center for Human Genetics Tuebingen
Classification: Likely benign. Last evaluated: 2025-11-01. Review status: criteria provided, single submitter. Criteria: CeGaT Center For Human Genetics Tuebingen Variant Classification Criteria Version 2. Collection method: clinical testing. Allele origin: germline. Affected: yes. Observed: 2 variant alleles.
Comment: HNF1B: BP4, BP7

Mayo Clinic Laboratories, Mayo Clinic
Classification: Likely benign. Last evaluated: 2025-06-09. Review status: criteria provided, single submitter. Criteria: ACMG Guidelines, 2015. Collection method: clinical testing. Allele origin: germline. Observed: 3 variant alleles.
Comment: BA1, BS2, BP4, BP7

KCCC/NGS Laboratory, Kuwait Cancer Control Center
Classification: Benign for Renal cysts and diabetes syndrome. Last evaluated: 2025-02-01. Review status: criteria provided, single submitter. Criteria: ACMG Guidelines, 2015. Collection method: clinical testing. Allele origin: germline. Affected: no.

Women's Health and Genetics/Laboratory Corporation of America, LabCorp
Classification: Benign. Last evaluated: 2024-12-06. Review status: criteria provided, single submitter. Criteria: LabCorp Variant Classification Summary - May 2015. Collection method: clinical testing. Allele origin: germline.

Blueprint Genetics
Classification: Likely benign. Last evaluated: 2024-09-09. Review status: criteria provided, single submitter. Criteria: ACMG Guidelines, 2015. Collection method: clinical testing. Allele origin: germline.

KCCC/NGS Laboratory, Kuwait Cancer Control Center
Classification: Benign for Nonpapillary renal cell carcinoma. Last evaluated: 2023-07-07. Review status: criteria provided, single submitter. Criteria: ACMG Guidelines, 2015. Collection method: clinical testing. Allele origin: germline. Affected: yes.

Athena Diagnostics
Classification: Benign. Last evaluated: 2020-12-31. Review status: criteria provided, single submitter. Criteria: Athena Diagnostics criteria. Collection method: clinical testing. Allele origin: unknown.

GeneDx
Classification: Likely benign. Last evaluated: 2020-12-28. Review status: criteria provided, single submitter. Criteria: GeneDx Variant Classification Process June 2021. Collection method: clinical testing. Allele origin: germline. Affected: yes.

Ambry Genetics
Classification: Benign for Maturity-onset diabetes of the young. Last evaluated: 2018-05-08. Review status: criteria provided, single submitter. Criteria: Ambry Variant Classification Scheme 2023. Collection method: clinical testing. Allele origin: germline.

Eurofins Ntd Llc (ga)
Classification: Likely benign. Last evaluated: 2016-06-19. Review status: criteria provided, single submitter. Criteria: EGL Classification Definitions 2015. Collection method: clinical testing. Allele origin: germline. Observed: 3 variant alleles, 3 heterozygotes.

Breakthrough Genomics
Classification: Likely benign. Review status: criteria provided, single submitter. Criteria: ACMG Guidelines, 2015. Collection method: not provided. Allele origin: germline. Inheritance: Autosomal dominant inheritance. Affected: yes.

Clinical Genomics, Uppaluri K&H Personalized Medicine Clinic
Classification: Benign for Maturity-onset diabetes of the young. Review status: criteria provided, single submitter. Criteria: K & H Uppaluri Personalized Medicine Clinic Variant Classification & Assertion Criteria_Updated V.1. Collection method: research. Allele origin: unknown. Inheritance: Autosomal dominant inheritance.
Comment: HNF1B gene mutations are associated with early onset diabetes and pancreatic atrophy. It is also associated with multiple renal manifestations including renal cysts, Tubulointerstitial disease, glomerulocystic disease, renal hypoplasia, hypomagnesemia.However no sufficient evidence is found to ascertain the role of this particular variant rs140781855, yet.

PreventionGenetics, part of Exact Sciences
Classification: Benign for HNF1B-related condition. Last evaluated: 2022-10-03. Review status: no assertion criteria provided. Collection method: clinical testing. Allele origin: germline. Not counted in ClinVar's aggregate classification.
Comment: This variant is classified as benign based on ACMG/AMP sequence variant interpretation guidelines (Richards et al. 2015 PMID: 25741868, with internal and published modifications).

Genome Diagnostics Laboratory, University Medical Center Utrecht
Classification: Likely benign. Review status: no assertion criteria provided. Collection method: clinical testing. Allele origin: germline. Affected: yes. Study: VKGL Data-share Consensus. Not counted in ClinVar's aggregate classification.

Laboratory of Diagnostic Genome Analysis, Leiden University Medical Center (LUMC)
Classification: Likely benign. Review status: no assertion criteria provided. Collection method: clinical testing. Allele origin: germline. Affected: yes. Study: VKGL Data-share Consensus. Not counted in ClinVar's aggregate classification.

Literature cited by the submitters: PubMed 24897035 (cited by Clinical Genomics, Uppaluri K&H Personalized Medicine Clinic); PubMed 25536396 (cited by Clinical Genomics, Uppaluri K&H Personalized Medicine Clinic); PubMed 27615128 (cited by Clinical Genomics, Uppaluri K&H Personalized Medicine Clinic); PubMed 28215227 (cited by Clinical Genomics, Uppaluri K&H Personalized Medicine Clinic); PubMed 33434175 (cited by Clinical Genomics, Uppaluri K&H Personalized Medicine Clinic); PubMed 25741167 (cited by Clinical Genomics, Uppaluri K&H Personalized Medicine Clinic); PubMed 26340261 (cited by Clinical Genomics, Uppaluri K&H Personalized Medicine Clinic); PubMed 19639018 (cited by Clinical Genomics, Uppaluri K&H Personalized Medicine Clinic).